The following is an entry in ClinVar:

ClinVar aggregate classification (germline): Uncertain significance (1 of 4 stars; one submission).

Conditions:
Primary ciliary dyskinesia. Also called: Ciliary dyskinesia. Identifiers: Orphanet 244, MedGen C0008780, MONDO:0016575, HP:0012265.

gnomAD v4.1: 1 of 1,614,194 alleles (0.000062%); highest among the groups gnomAD compares: East Asian, 0.0022%; no homozygotes.

Submission:

Labcorp Genetics (formerly Invitae), Labcorp
Classification: Uncertain significance for Primary ciliary dyskinesia. Last evaluated: 2025-05-04. Review status: criteria provided, single submitter. Criteria: Invitae Variant Classification Sherloc (09022015). Collection method: clinical testing. Allele origin: germline.
Comment: This sequence change replaces glutamine, which is neutral and polar, with histidine, which is basic and polar, at codon 700 of the CCDC40 protein (p.Gln700His). This variant is present in population databases (no rsID available, gnomAD 0.006%). This variant has not been reported in the literature in individuals affected with CCDC40-related conditions. Invitae Evidence Modeling of protein sequence and biophysical properties (such as structural, functional, and spatial information, amino acid conservation, physicochemical variation, residue mobility, and thermodynamic stability) has been performed for this missense variant. However, the output from this modeling did not meet the statistical confidence thresholds required to predict the impact of this variant on CCDC40 protein function. In summary, the available evidence is currently insufficient to determine the role of this variant in disease. Therefore, it has been classified as a Variant of Uncertain Significance.

NM_017950.4(CCDC40):c.2100G>C (p.Gln700His)

Gene: CCDC40 (coiled-coil domain 40 molecular ruler complex subunit; plus strand). Cytogenetic location: 17q25.3.
Variant type: single nucleotide variant.
Coding change: c.2100G>C on transcript NM_017950.4 (MANE Select); coding-DNA position 2100, G replaced by C.
Protein change: p.Gln700His; replaces glutamine 700 with histidine.
Molecular consequence: missense variant.
Genome position (GRCh38, 1-based): chr17:80,084,853, G>C. VCF-style: chr17-80084853-G-C. GRCh37 (hg19) VCF-style: chr17-78058652-G-C.
Other names: c.2100G>C, p.Gln700His (NM_001243342.2); short protein forms Q700H.
Identifiers: ClinVar variation 4694988 (VCV004694988.1).